The following is an entry in ClinVar:

ClinVar aggregate classification (germline): Conflicting classifications of pathogenicity. Review status: criteria provided, conflicting classifications (1 of 4 stars). 6 submissions from 6 submitters: Uncertain significance (5); Likely benign (1). Last evaluated 2026-09-21.

Conditions:
Cardiovascular phenotype. Identifiers: MedGen CN230736.
Hypercholesterolemia, autosomal dominant, type B (FHCL2). Also called: HYPERCHOLESTEROLEMIA, FAMILIAL, DUE TO LIGAND-DEFECTIVE APOLIPOPROTEIN B; Familial Hypercholesterolemia Type B; Hyperlipoproteinemia Type IIb; Familial hypercholesterolemia 2; APOB-Related Familial Hypercholesterolemia, Autosomal Dominant; APOLIPOPROTEIN B-100, FAMILIAL DEFECTIVE. Identifiers: MedGen C1704417, MONDO:0007751, OMIM 144010.
Familial hypobetalipoproteinemia 1. Also called: APOB-Related Familial Hypobetalipoproteinemia; Hypobetalipoproteinemia, normotriglyceridemic; Acanthocytosis with hypobetalipoproteinemia. Identifiers: MedGen C4551990, MONDO:0014252, OMIM 615558.

Allele frequency attached by ClinVar (database versions not stated): gnomAD exomes 0.00002 and 0.00001; gnomAD 0.00001; ExAC 0.00002; TOPMed below 0.00001.

Submissions (6):

Molecular Diagnostic Laboratory for Inherited Cardiovascular Disease, Montreal Heart Institute
Classification: Uncertain significance for Cardiovascular phenotype. Last evaluated: 2026-09-21. Review status: criteria provided, single submitter. Criteria: ACMG Guidelines, 2015. Collection method: clinical testing. Allele origin: germline. Affected: yes.

Women's Health and Genetics/Laboratory Corporation of America, LabCorp
Classification: Uncertain significance. Last evaluated: 2026-01-16. Review status: criteria provided, single submitter. Criteria: LabCorp Variant Classification Summary - May 2015. Collection method: clinical testing. Allele origin: germline.
Comment: Variant summary: APOB c.10486A>G (p.Thr3496Ala) results in a non-conservative amino acid change in the encoded protein sequence. Algorithms developed to predict the effect of missense changes on protein structure and function are either unavailable or do not agree on the potential impact of this missense change. The variant allele was found at a frequency of 2e-05 in 250690 control chromosomes (gnomAD). The available data on variant occurrences in the general population are insufficient to allow any conclusion about variant significance. c.10486A>G has been observed in one individual affected with familial hypercholesterolemia (Guerin_2023). The report does not provide unequivocal conclusions about association of the variant with Familial Hypobetalipoproteinemia 1 Recessive. To our knowledge, no experimental evidence demonstrating an impact on protein function has been reported. The following publication have been ascertained in the context of this evaluation (PMID: 37607748). ClinVar contains an entry for this variant (Variation ID: 925136). Based on the evidence outlined above, the variant was classified as uncertain significance.

Labcorp Genetics (formerly Invitae), Labcorp
Classification: Likely benign for Familial hypobetalipoproteinemia 1; Hypercholesterolemia, autosomal dominant, type B. Last evaluated: 2025-09-30. Review status: criteria provided, single submitter. Criteria: Invitae Variant Classification Sherloc (09022015). Collection method: clinical testing. Allele origin: germline.

GeneDx
Classification: Uncertain significance. Last evaluated: 2025-03-10. Review status: criteria provided, single submitter. Criteria: GeneDx Variant Classification Process June 2021. Collection method: clinical testing. Allele origin: germline. Affected: yes.
Comment: Not observed at significant frequency in large population cohorts (gnomAD); In silico analysis supports that this missense variant has a deleterious effect on protein structure/function; Has not been previously published as pathogenic or benign to our knowledge

Blueprint Genetics
Classification: Uncertain significance. Last evaluated: 2024-09-16. Review status: criteria provided, single submitter. Criteria: ACMG Guidelines, 2015. Collection method: clinical testing. Allele origin: germline.

Ambry Genetics
Classification: Uncertain significance for Cardiovascular phenotype. Last evaluated: 2024-07-02. Review status: criteria provided, single submitter. Criteria: Ambry Variant Classification Scheme 2023. Collection method: clinical testing. Allele origin: germline.
Comment: The p.T3496A variant (also known as c.10486A>G), located in coding exon 26 of the APOB gene, results from an A to G substitution at nucleotide position 10486. The threonine at codon 3496 is replaced by alanine, an amino acid with similar properties. This amino acid position is not well conserved in available vertebrate species. In addition, this alteration is predicted to be tolerated by in silico analysis. Based on the available evidence, the clinical significance of this variant remains unclear.

Literature cited by the submitters: PubMed 37607748 (cited by Women's Health and Genetics/Laboratory Corporation of America, LabCorp).

NM_000384.3(APOB):c.10486A>G (p.Thr3496Ala)

Gene: APOB (apolipoprotein B; minus strand). Cytogenetic location: 2p24.1.
Variant type: single nucleotide variant.
Coding change: c.10486A>G on transcript NM_000384.3 (MANE Select); coding-DNA position 10486, A replaced by G.
Protein change: p.Thr3496Ala; replaces threonine 3496 with alanine.
Molecular consequence: missense variant.
Genome position (GRCh38, 1-based): chr2:21,006,382, T>C on the plus strand (A>G on the coding strand, the complement: APOB is on the minus strand). VCF-style: chr2-21006382-T-C. GRCh37 (hg19) VCF-style: chr2-21229254-T-C.
Other names: short protein forms T3496A.
Identifiers: ClinVar variation 925136 (VCV000925136.18), dbSNP rs754800464, ClinGen allele CA043727.
Genomic context (GRCh38, chr2:21,006,382, plus strand): 5'-CACTAGCAATAGTTCCTGAATATTCCCGAGAAAGAACCGAACCCTTGACATCTCCTTTGG[T>C]AGATGACTCAATGGAAAAGTAAGAGGTGAGGCTTTCCAAGCTAAGCTTGTGGTCAACTGC-3'
Protein context (NP_000375.3, residues 3486-3506): LTSYFSIESS[Thr3496Ala]KGDVKGSVLS